The following is an entry in ClinVar:

NM_001386140.1(MTTP):c.400G>T (p.Glu134Ter)

Gene: MTTP (microsomal triglyceride transfer protein; plus strand). Cytogenetic location: 4q23.
Variant type: single nucleotide variant.
Coding change: c.400G>T on transcript NM_001386140.1 (MANE Select); coding-DNA position 400, G replaced by T.
Protein change: p.Glu134Ter; replaces glutamic acid 134 with a stop codon.
Molecular consequence: nonsense.
Genome position (GRCh38, 1-based): chr4:99,589,649, G>T. VCF-style: chr4-99589649-G-T. GRCh37 (hg19) VCF-style: chr4-100510806-G-T.
Other names: c.400G>T, p.Glu134Ter (NM_000253.4); c.151G>T, p.Glu51Ter (NM_001300785.2); short protein forms E134*, E51*.
Identifiers: ClinVar variation 984259 (VCV000984259.7), dbSNP rs760855321, ClinGen allele CA3021844.

ClinVar aggregate classification (germline): Pathogenic/Likely pathogenic. Review status: criteria provided, multiple submitters, no conflicts (2 of 4 stars). 3 submissions from 3 submitters: Pathogenic (1); Likely pathogenic (2). Last evaluated 2023-09-26.

Conditions:
MTTP-related disorder. Also called: MTTP-related condition.
Abetalipoproteinaemia (ABL). Also called: MTP DEFICIENCY; Abetalipoproteinemia; Abetalipoproteinemia neuropathy; Apolipoprotein B deficiency; Congenital betalipoprotein deficiency syndrome. Identifiers: Orphanet 14, MedGen C0000744, MONDO:0008692, OMIM 200100, HP:0008181.

Allele frequency attached by ClinVar (database versions not stated): ExAC 0.00001; gnomAD 0.00001.
gnomAD v4.1: 1 of 1,589,084 alleles (0.000063%); highest among the groups gnomAD compares: Non-Finnish European, 0.000086%; no homozygotes.

Submissions (3):

Labcorp Genetics (formerly Invitae), Labcorp
Classification: Pathogenic. Last evaluated: 2023-09-26. Review status: criteria provided, single submitter. Criteria: Invitae Variant Classification Sherloc (09022015). Collection method: clinical testing. Allele origin: germline.
Comment: For these reasons, this variant has been classified as Pathogenic. Algorithms developed to predict the effect of sequence changes on RNA splicing suggest that this variant may disrupt the consensus splice site. ClinVar contains an entry for this variant (Variation ID: 984259). This variant has not been reported in the literature in individuals affected with MTTP-related conditions. This variant is not present in population databases (gnomAD no frequency). This sequence change creates a premature translational stop signal (p.Glu134*) in the MTTP gene. It is expected to result in an absent or disrupted protein product. Loss-of-function variants in MTTP are known to be pathogenic (PMID: 8533758, 9671739).

Blueprint Genetics
Classification: Likely pathogenic for MTTP-related disorders. Last evaluated: 2022-10-06. Review status: criteria provided, single submitter. Criteria: ACMG Guidelines, 2015. Collection method: clinical testing. Allele origin: germline. Affected: yes. Observed: 1 variant allele.

Myriad Genetics, Inc.
Classification: Likely pathogenic for Abetalipoproteinaemia. Last evaluated: 2019-05-07. Review status: criteria provided, single submitter. Criteria: Myriad Women's Health Autosomal Recessive and X-Linked Classification Criteria (2019). Collection method: clinical testing. Allele origin: unknown.
Comment: NM_000253.2(MTTP):c.400G>T(E134*) is expected to be pathogenic in the context of abetalipoproteinemia. This variant is predicted to lead to an abnormal or absent protein product due to the creation of a premature termination codon in MTTP, a gene where loss-of-function variants are known to be pathogenic. Please note: this variant was assessed in the context of healthy population screening.

Literature cited by the submitters: PubMed 8533758 (cited by Labcorp Genetics (formerly Invitae), Labcorp); PubMed 9671739 (cited by Labcorp Genetics (formerly Invitae), Labcorp).